The following is an entry in ClinVar:

ClinVar aggregate classification (germline): Uncertain significance (1 of 4 stars; one submission).

Conditions:
CRYGC-related disorder. Also called: CRYGC-related condition.

Submission:

PreventionGenetics, part of Exact Sciences
Classification: Uncertain significance for CRYGC-related condition. Last evaluated: 2025-05-20. Review status: criteria provided, single submitter. Criteria: ACMG Guidelines, 2015. Collection method: clinical testing. Allele origin: germline.
Comment: The CRYGC c.94C>T variant is predicted to result in the amino acid substitution p.Arg32Cys. To our knowledge, this variant has not been reported in the literature. This variant is reported in 0.0033% of alleles in individuals of South Asian descent in gnomAD. At this time, the clinical significance of this variant is uncertain due to the absence of conclusive functional and genetic evidence.

NM_020989.4(CRYGC):c.94C>T (p.Arg32Cys)

Genes: CRYGC (crystallin gamma C; minus strand), LOC100507443 (uncharacterized LOC100507443; plus strand). Cytogenetic location: 2q33.3.
Variant type: single nucleotide variant.
Coding change: c.94C>T on transcript NM_020989.4 (MANE Select); coding-DNA position 94, C replaced by T.
Protein change: p.Arg32Cys; replaces arginine 32 with cysteine.
Molecular consequence: missense variant.
Genome position (GRCh38, 1-based): chr2:208,129,599, G>A on the plus strand (C>T on the coding strand, the complement: CRYGC is on the minus strand). VCF-style: chr2-208129599-G-A. GRCh37 (hg19) VCF-style: chr2-208994323-G-A.
Other names: short protein forms R32C.
Identifiers: ClinVar variation 4981304 (VCV004981304.1).